The following is an entry in ClinVar:

ClinVar aggregate classification (germline): Likely pathogenic (1 of 4 stars; one submission).

Conditions:
von Willebrand disease type 2 (VWD2). Also called: VWD, TYPE 2; VON WILLEBRAND DISEASE, TYPE 2A/IIE; VON WILLEBRAND DISEASE, TYPE 2CB; VON WILLEBRAND DISEASE, TYPE II. Identifiers: Orphanet 166081, Orphanet 903, MedGen C1264040, MONDO:0013304, OMIM 613554.
von Willebrand disease type 1 (VWD1). Also called: VWD, TYPE 1; VON WILLEBRAND DISEASE, TYPE I. Identifiers: Orphanet 166078, Orphanet 903, MedGen C1264039, MONDO:0008668, OMIM 193400. Inheritance: autosomal recessive or autosomal dominant.

Submission:

New York Genome Center
Classification: Likely pathogenic for von Willebrand disease type 1; von Willebrand disease type 2. Last evaluated: 2023-12-04. Review status: criteria provided, single submitter. Criteria: NYGC Assertion Criteria 2020. Collection method: clinical testing. Allele origin: inherited. Observed: 1 variant allele, 1 heterozygote.
Comment: The inherited heterozygous c.3702T>A p.(Cys1234Ter) stop-gain variant identified in the VWF gene has not been reported in affected individuals in the literature or in the ClinVar database, and is absent from population databases (gnomAD v3, gnomAD v4), suggesting it is not a common benign variant in the populations represented in those databases. The c.3702T>A variant is located in exon 28 of this 52-exon gene, is predicted to incorporate a premature translation termination codon [p.(Cys1234Ter)], and is expected to result in loss-of-function via nonsense mediated mRNA decay. Based on available evidence, this inherited heterozygous c.3702T>A p.(Cys1234Ter) stop-gain variant identified in the VWF gene is classified as Likely Pathogenic.

NM_000552.5(VWF):c.3702T>A (p.Cys1234Ter)

Gene: VWF (von Willebrand factor; minus strand). Cytogenetic location: 12p13.31.
Variant type: single nucleotide variant.
Coding change: c.3702T>A on transcript NM_000552.5 (MANE Select); coding-DNA position 3702, T replaced by A.
Protein change: p.Cys1234Ter; replaces cysteine 1234 with a stop codon.
Molecular consequence: nonsense.
Genome position (GRCh38, 1-based): chr12:6,019,716, A>T on the plus strand (T>A on the coding strand, the complement: VWF is on the minus strand). VCF-style: chr12-6019716-A-T. GRCh37 (hg19) VCF-style: chr12-6128882-A-T.
Other names: c.3702T>A (NM_000552.4); short protein forms C1234*.
Identifiers: ClinVar variation 4888343 (VCV004888343.1).